The following is an entry in ClinVar:

ClinVar aggregate classification (germline): Uncertain significance (1 of 4 stars; one submission).

Conditions:
Fanconi anemia (FA). Also called: Fanconi's anemia. Identifiers: Orphanet 84, MedGen C0015625, MeSH D005199, MONDO:0019391.

Submission:

Labcorp Genetics (formerly Invitae), Labcorp
Classification: Uncertain significance for Fanconi anemia. Last evaluated: 2022-11-14. Review status: criteria provided, single submitter. Criteria: Invitae Variant Classification Sherloc (09022015). Collection method: clinical testing. Allele origin: germline.
Comment: In summary, the available evidence is currently insufficient to determine the role of this variant in disease. Therefore, it has been classified as a Variant of Uncertain Significance. Variants that disrupt the consensus splice site are a relatively common cause of aberrant splicing (PMID: 17576681, 9536098). Algorithms developed to predict the effect of sequence changes on RNA splicing suggest that this variant may disrupt the consensus splice site. This variant is also known as c.976-2_977dup (p.Leu327Glyfs*3). This variant has not been reported in the literature in individuals affected with FANCI-related conditions. This variant is not present in population databases (gnomAD no frequency). This sequence change falls in intron 11 of the FANCI gene. It does not directly change the encoded amino acid sequence of the FANCI protein. It affects a nucleotide within the consensus splice site.

Literature cited by the submitters: PubMed 17576681; PubMed 9536098.

NM_001113378.2(FANCI):c.976-2_977dup

Gene: FANCI (FA complementation group I; plus strand). Cytogenetic location: 15q26.1.
Variant type: Duplication.
Coding change: c.976-2_977dup on transcript NM_001113378.2 (MANE Select); the canonical splice acceptor site of the intron before coding-DNA position 976 through coding-DNA position 977, 4 bases duplicated (AGGT; older notation c.976-2_977dupAGGT).
Molecular consequence: splice acceptor variant.
Genome position (GRCh38, 1-based): chr15:89,274,166-89,274,169, AGGT duplicated. VCF-style (leftmost placement, unchanged base first): chr15-89274165-A-AAGGT. GRCh37 (hg19) VCF-style: chr15-89817396-A-AAGGT.
Other names: c.976-2_977dup (NM_018193.3, NM_001376911.1); c.697-2_698dup (NM_001376910.1).
Identifiers: ClinVar variation 2814157 (VCV002814157.3), dbSNP rs2506218928, ClinGen allele CA2739269712.
Genomic context (GRCh38, chr15:89,274,165, plus strand): 5'-CTGTTAGGTGCTTGATCTTTTATTTATTTATTTTTTCATTTATTTTTATTAACTATACTC[A>AAGGT]AGGTGCTTGATCTTTTAAAGACTTCGGTTGTAAAGAGCTTTAAGGATCTTCAACTCCTCC-3'